The following is an entry in ClinVar:

ClinVar aggregate classification (germline): Uncertain significance (1 of 4 stars; one submission).

Conditions:
Developmental and epileptic encephalopathy, 53. Also called: Epileptic encephalopathy, early infantile, 53. Identifiers: MedGen C4479313, MONDO:0033362, OMIM 617389.
Early-onset Parkinson disease 20. Also called: PARKINSON DISEASE 20, AUTOSOMAL RECESSIVE EARLY-ONSET. Identifiers: Orphanet 391411, MedGen C3809824, MONDO:0014233, OMIM 615530.

Allele frequency attached by ClinVar (database versions not stated): ExAC 0.00001; gnomAD 0.00001; ESP Exome Variant Server 0.00008; 1000 Genomes Project 30x 0.00016; 1000 Genomes Project 0.00020.

Submission:

Labcorp Genetics (formerly Invitae), Labcorp
Classification: Uncertain significance for Developmental and epileptic encephalopathy, 53; Early-onset Parkinson disease 20. Last evaluated: 2022-06-27. Review status: criteria provided, single submitter. Criteria: Invitae Variant Classification Sherloc (09022015). Collection method: clinical testing. Allele origin: germline.
Comment: This sequence change replaces proline, which is neutral and non-polar, with serine, which is neutral and polar, at codon 1295 of the SYNJ1 protein (p.Pro1295Ser). This variant is present in population databases (rs138334718, gnomAD 0.003%). This variant has not been reported in the literature in individuals affected with SYNJ1-related conditions. Algorithms developed to predict the effect of missense changes on protein structure and function output the following: SIFT: "Deleterious"; PolyPhen-2: "Benign"; Align-GVGD: "Class C0". The serine amino acid residue is found in multiple mammalian species, which suggests that this missense change does not adversely affect protein function. In summary, the available evidence is currently insufficient to determine the role of this variant in disease. Therefore, it has been classified as a Variant of Uncertain Significance.

NM_203446.3(SYNJ1):c.3766C>T (p.Pro1256Ser)

Gene: SYNJ1 (synaptojanin 1; minus strand). Cytogenetic location: 21q22.11.
Variant type: single nucleotide variant.
Coding change: c.3766C>T on transcript NM_203446.3 (MANE Select); coding-DNA position 3766, C replaced by T.
Protein change: p.Pro1256Ser; replaces proline 1256 with serine.
Molecular consequence: missense variant.
Genome position (GRCh38, 1-based): chr21:32,639,057, G>A on the plus strand (C>T on the coding strand, the complement: SYNJ1 is on the minus strand). VCF-style: chr21-32639057-G-A. GRCh37 (hg19) VCF-style: chr21-34011367-G-A.
Other names: c.3718C>T, p.Pro1240Ser (NM_001160302.2); c.3625C>T, p.Pro1209Ser (NM_001160306.2); c.3883C>T, p.Pro1295Ser (NM_003895.4); short protein forms P1209S, P1256S, P1240S, P1295S.
Identifiers: ClinVar variation 1425394 (VCV001425394.5), dbSNP rs138334718, ClinGen allele CA10003254.